The following is an entry in ClinVar:

ClinVar aggregate classification (germline): Likely pathogenic (1 of 4 stars; one submission).

Conditions:
Neuromuscular disease caused by qualitative or quantitative defects of dysferlin. Also called: Qualitative or quantitative defects of dysferlin; Dysferlinopathy. Identifiers: Orphanet 207073, MedGen C2931687, MONDO:0016145.

Submission:

Labcorp Genetics (formerly Invitae), Labcorp
Classification: Likely pathogenic for Neuromuscular disease caused by qualitative or quantitative defects of dysferlin. Last evaluated: 2023-12-16. Review status: criteria provided, single submitter. Criteria: Invitae Variant Classification Sherloc (09022015). Collection method: clinical testing. Allele origin: germline.
Comment: This sequence change affects a donor splice site in intron 30 of the DYSF gene. It is expected to disrupt RNA splicing. Variants that disrupt the donor or acceptor splice site typically lead to a loss of protein function (PMID: 16199547), and loss-of-function variants in DYSF are known to be pathogenic (PMID: 17698709, 20301480). This variant is not present in population databases (gnomAD no frequency). This variant has not been reported in the literature in individuals affected with DYSF-related conditions. Algorithms developed to predict the effect of sequence changes on RNA splicing suggest that this variant may disrupt the consensus splice site. In summary, the currently available evidence indicates that the variant is pathogenic, but additional data are needed to prove that conclusively. Therefore, this variant has been classified as Likely Pathogenic.

Literature cited by the submitters: PubMed 16199547; PubMed 17698709; PubMed 20301480.

NM_001130987.2(DYSF):c.3402+1G>A

Gene: DYSF (dysferlin; plus strand). Cytogenetic location: 2p13.2.
Variant type: single nucleotide variant.
Coding change: c.3402+1G>A on transcript NM_001130987.2 (MANE Select); the canonical splice donor site of the intron after coding-DNA position 3402, G replaced by A.
Molecular consequence: splice donor variant.
Genome position (GRCh38, 1-based): chr2:71,574,372, G>A. VCF-style: chr2-71574372-G-A. GRCh37 (hg19) VCF-style: chr2-71801502-G-A.
Other names: c.3441+1G>A (NM_001130979.2); c.3399+1G>A (NM_001130981.2, NM_001130980.2); c.3348+1G>A (NM_001130978.2, NM_003494.4); c.3306+1G>A (NM_001130977.2, NM_001130976.2); c.3444+1G>A (NM_001130982.2); c.3402+1G>A (NM_001130985.2); c.3351+1G>A (NM_001130983.2, NM_001130455.2); c.3309+1G>A (NM_001130984.2, NM_001130986.2).
Identifiers: ClinVar variation 2703538 (VCV002703538.3), dbSNP rs2545877361, ClinGen allele CA347218605.